The following is an entry in ClinVar:

ClinVar aggregate classification (germline): Likely benign. Review status: criteria provided, multiple submitters, no conflicts (2 of 4 stars). 4 submissions from 4 submitters: Likely benign (4). Last evaluated 2025-11-25.

Conditions:
Cardiomyopathy (CMYO). Also called: Cardiomyopathies. Identifiers: Orphanet 167848, MedGen C0878544, MONDO:0004994, HP:0001638. Inheritance: Various modes of inheritance.
Charcot-Marie-Tooth disease type 2. Also called: Charcot-Marie-Tooth type 2. Identifiers: Orphanet 64746, MedGen C0270914, MONDO:0018993.
Primary dilated cardiomyopathy (DCM). Also called: Dilated Cardiomyopathy. Identifiers: Orphanet 217604, MedGen C0007193, MeSH D002311, MONDO:0005021, HP:0001644. Inheritance: Various modes of inheritance.

Allele frequency attached by ClinVar (database versions not stated): gnomAD exomes 0.00001.
gnomAD v4.1: 7 of 1,614,134 alleles (0.00043%); highest among the groups gnomAD compares: Non-Finnish European, 0.00059%; no homozygotes.

Submissions (4):

Labcorp Genetics (formerly Invitae), Labcorp
Classification: Likely benign for Charcot-Marie-Tooth disease type 2. Last evaluated: 2025-11-25. Review status: criteria provided, single submitter. Criteria: Invitae Variant Classification Sherloc (09022015). Collection method: clinical testing. Allele origin: germline.

All of Us Research Program, National Institutes of Health
Classification: Likely benign for Primary dilated cardiomyopathy. Last evaluated: 2023-11-30. Review status: criteria provided, single submitter. Criteria: ACMG Guidelines, 2015. Collection method: clinical testing. Allele origin: germline. Inheritance: Autosomal dominant inheritance. Observed: 3 variant alleles, 3 heterozygotes.
Comment: This study involves interpretation of variants in research participants for the purpose of population health screening. Participant phenotype was not available at the time of variant classification. Additional details can be found in publication PMID: 35346344, PMCID: PMC8962531

GeneDx
Classification: Likely benign. Last evaluated: 2019-08-28. Review status: criteria provided, single submitter. Criteria: GeneDx Variant Classification Process June 2021. Collection method: clinical testing. Allele origin: germline. Affected: yes.

Color Diagnostics, LLC DBA Color Health
Classification: Likely benign for Cardiomyopathy. Last evaluated: 2018-11-25. Review status: criteria provided, single submitter. Criteria: ACMG Guidelines, 2015. Collection method: clinical testing. Allele origin: germline.

NM_170707.4(LMNA):c.1413C>G (p.Arg471=)

Gene: LMNA (lamin A/C; plus strand). Cytogenetic location: 1q22.
Variant type: single nucleotide variant.
Coding change: c.1413C>G on transcript NM_170707.4 (MANE Select); coding-DNA position 1413, C replaced by G.
Protein change: p.Arg471=; no amino-acid change (arginine 471 retained).
Molecular consequence: synonymous variant.
Genome position (GRCh38, 1-based): chr1:156,136,953, C>G. VCF-style: chr1-156136953-C-G. GRCh37 (hg19) VCF-style: chr1-156106744-C-G.
Other names: c.1077C>G, p.Arg359= (NM_001257374.3); c.1170C>G, p.Arg390= (NM_001282624.2); c.1413C>G, p.Arg471= (NM_001282625.2, NM_001282626.2, NM_005572.4 and 1 more transcripts).
Identifiers: ClinVar variation 754907 (VCV000754907.14), dbSNP rs1572365626, ClinGen allele CA421068850.